The following is an entry in ClinVar:

ClinVar aggregate classification (germline): Benign/Likely benign. Review status: criteria provided, multiple submitters, no conflicts (2 of 4 stars). 3 submissions from 3 submitters: Benign (2); Likely benign (1). Last evaluated 2023-07-01.

Conditions:
Pitt-Hopkins syndrome (PTHS). Also called: ENCEPHALOPATHY, SEVERE EPILEPTIC, WITH AUTONOMIC DYSFUNCTION; MENTAL RETARDATION, SYNDROMAL, WITH INTERMITTENT HYPERVENTILATION. Identifiers: Orphanet 2896, MedGen C1970431, MONDO:0012589, OMIM 610954.

Allele frequency attached by ClinVar (database versions not stated): 1000 Genomes Project 0.00100; 1000 Genomes Project 30x 0.00109; gnomAD 0.00153 and 0.00160; TOPMed 0.00155.

Submissions (3):

CeGaT Center for Human Genetics Tuebingen
Classification: Likely benign. Last evaluated: 2023-07-01. Review status: criteria provided, single submitter. Criteria: CeGaT Center For Human Genetics Tuebingen Variant Classification Criteria Version 2. Collection method: clinical testing. Allele origin: germline. Affected: yes. Observed: 6 variant alleles.
Comment: TCF4: BS1

Illumina Laboratory Services, Illumina
Classification: Benign for Pitt-Hopkins syndrome. Last evaluated: 2018-01-13. Review status: criteria provided, single submitter. Criteria: ICSL Variant Classification Criteria 13 December 2019. Collection method: clinical testing. Allele origin: germline.
Comment: This variant was observed in the ICSL laboratory as part of a predisposition screen in an ostensibly healthy population. It had not been previously curated by ICSL or reported in the Human Gene Mutation Database (HGMD: prior to June 1st, 2018), and was therefore a candidate for classification through an automated scoring system. Utilizing variant allele frequency, disease prevalence and penetrance estimates, and inheritance mode, an automated score was calculated to assess if this variant is too frequent to cause the disease. Based on the score and internal cut-off values, a variant classified as benign is not then subjected to further curation. The score for this variant resulted in a classification of benign for this disease.

Breakthrough Genomics
Classification: Benign. Review status: criteria provided, single submitter. Criteria: ACMG Guidelines, 2015. Collection method: not provided. Allele origin: germline. Inheritance: Autosomal dominant inheritance. Affected: yes.

NM_001083962.2(TCF4):c.*3404G>C

Gene: TCF4 (transcription factor 4; minus strand). Cytogenetic location: 18q21.2.
Variant type: single nucleotide variant.
Coding change: c.*3404G>C on transcript NM_001083962.2 (MANE Select); 3404 bases downstream of the stop codon, G replaced by C.
Molecular consequence: 3 prime UTR variant.
Genome position (GRCh38, 1-based): chr18:55,224,631, C>G on the plus strand (G>C on the coding strand, the complement: TCF4 is on the minus strand). VCF-style: chr18-55224631-C-G. GRCh37 (hg19) VCF-style: chr18-52891862-C-G.
Other names: c.*3404G>C (NM_001243226.3, NM_001243227.2, NM_001243228.2 and 42 more transcripts).
Identifiers: ClinVar variation 327258 (VCV000327258.30), dbSNP rs550785276, ClinGen allele CA10651058.